The following is an entry in ClinVar:

ClinVar aggregate classification (germline): Uncertain significance. Review status: criteria provided, multiple submitters, no conflicts (2 of 4 stars). 3 submissions from 3 submitters: Uncertain significance (3). Last evaluated 2024-09-16.

Conditions:
Familial cancer of breast. Also called: BREAST CANCER, FAMILIAL; Hereditary breast cancer; hereditary breast carcinoma. Identifiers: Orphanet 227535, MedGen C0346153, MONDO:0016419, OMIM 114480. Disease mechanism: loss of function.

Allele frequency attached by ClinVar (database versions not stated): gnomAD exomes below 0.00001.
gnomAD v4.1: 5 of 1,606,492 alleles (0.00031%); highest among the groups gnomAD compares: Admixed American, 0.0035%; no homozygotes.

Submissions (3):

Labcorp Genetics (formerly Invitae), Labcorp
Classification: Uncertain significance. Last evaluated: 2024-09-16. Review status: criteria provided, single submitter. Criteria: Invitae Variant Classification Sherloc (09022015). Collection method: clinical testing. Allele origin: germline.
Comment: This sequence change replaces tyrosine, which is neutral and polar, with cysteine, which is neutral and slightly polar, at codon 208 of the RECQL protein (p.Tyr208Cys). This variant is not present in population databases (gnomAD no frequency). This variant has not been reported in the literature in individuals affected with RECQL-related conditions. ClinVar contains an entry for this variant (Variation ID: 1364119). An algorithm developed to predict the effect of missense changes on protein structure and function (PolyPhen-2) suggests that this variant is likely to be disruptive. In summary, the available evidence is currently insufficient to determine the role of this variant in disease. Therefore, it has been classified as a Variant of Uncertain Significance.

Ambry Genetics
Classification: Uncertain significance. Last evaluated: 2023-09-20. Review status: criteria provided, single submitter. Criteria: Ambry Variant Classification Scheme 2023. Collection method: clinical testing. Allele origin: germline.
Comment: The p.Y208C variant (also known as c.623A>G), located in coding exon 5 of the RECQL gene, results from an A to G substitution at nucleotide position 623. The tyrosine at codon 208 is replaced by cysteine, an amino acid with highly dissimilar properties. This amino acid position is well conserved in available vertebrate species. In addition, the in silico prediction for this alteration is inconclusive. Since supporting evidence is limited at this time, the clinical significance of this alteration remains unclear.

GeneDx
Classification: Uncertain significance. Last evaluated: 2023-03-22. Review status: criteria provided, single submitter. Criteria: GeneDx Variant Classification Process June 2021. Collection method: clinical testing. Allele origin: germline. Affected: yes.
Comment: Not observed at significant frequency in large population cohorts (gnomAD); In silico analysis supports that this missense variant has a deleterious effect on protein structure/function; Has not been previously published as pathogenic or benign to our knowledge; This variant is associated with the following publications: (PMID: 19151156, 27248010)

NM_002907.4(RECQL):c.623A>G (p.Tyr208Cys)

Gene: RECQL (RecQ like helicase; minus strand). Cytogenetic location: 12p12.1.
Variant type: single nucleotide variant.
Coding change: c.623A>G on transcript NM_002907.4 (MANE Select); coding-DNA position 623, A replaced by G.
Protein change: p.Tyr208Cys; replaces tyrosine 208 with cysteine.
Molecular consequence: missense variant.
Genome position (GRCh38, 1-based): chr12:21,483,453, T>C on the plus strand (A>G on the coding strand, the complement: RECQL is on the minus strand). VCF-style: chr12-21483453-T-C. GRCh37 (hg19) VCF-style: chr12-21636387-T-C.
Other names: c.623A>G, p.Tyr208Cys (NM_032941.3); short protein forms Y208C.
Identifiers: ClinVar variation 1364119 (VCV001364119.10), dbSNP rs2137374083, ClinGen allele CA384127092.